The following is an entry in ClinVar:

ClinVar aggregate classification (germline): Pathogenic (1 of 4 stars; one submission).

Conditions:
Meckel-Gruber syndrome. Also called: GRUBER SYNDROME; DYSENCEPHALIA SPLANCHNOCYSTICA; Dysencephalia splachnocystica. Identifiers: Orphanet 564, MedGen C0265215, MONDO:0018921.
Joubert syndrome. Also called: Familial aplasia of the vermis; JOUBERT-BOLTSHAUSER SYNDROME; CEREBELLOPARENCHYMAL DISORDER IV. Identifiers: Orphanet 475, MedGen C5979921, MONDO:0018772.

gnomAD v4.1: 21 of 1,609,238 alleles (0.0013%); highest among the groups gnomAD compares: Non-Finnish European, 0.0017%; no homozygotes.

Submission:

Labcorp Genetics (formerly Invitae), Labcorp
Classification: Pathogenic for Joubert syndrome; Meckel-Gruber syndrome. Last evaluated: 2025-07-14. Review status: criteria provided, single submitter. Criteria: Invitae Variant Classification Sherloc (09022015). Collection method: clinical testing. Allele origin: germline.
Comment: This sequence change creates a premature translational stop signal (p.Gln558*) in the TMEM67 gene. It is expected to result in an absent or disrupted protein product. Loss-of-function variants in TMEM67 are known to be pathogenic (PMID: 20232449, 23559409). This variant is not present in population databases (gnomAD no frequency). This variant has not been reported in the literature in individuals affected with TMEM67-related conditions. Algorithms developed to predict the effect of sequence changes on RNA splicing suggest that this variant may disrupt the consensus splice site. For these reasons, this variant has been classified as Pathogenic.

Literature cited by the submitters: PubMed 20232449; PubMed 23559409.

NM_153704.6(TMEM67):c.1672C>T (p.Gln558Ter)

Gene: TMEM67 (transmembrane protein 67; plus strand). Cytogenetic location: 8q22.1.
Variant type: single nucleotide variant.
Coding change: c.1672C>T on transcript NM_153704.6 (MANE Select); coding-DNA position 1672, C replaced by T.
Protein change: p.Gln558Ter; replaces glutamine 558 with a stop codon.
Molecular consequence: nonsense. On other transcripts: non-coding transcript variant (1).
Genome position (GRCh38, 1-based): chr8:93,793,294, C>T. VCF-style: chr8-93793294-C-T. GRCh37 (hg19) VCF-style: chr8-94805522-C-T.
Other names: c.1429C>T, p.Gln477Ter (NM_001142301.1); short protein forms Q477*, Q558*.
Identifiers: ClinVar variation 4792427 (VCV004792427.1).
Genomic context (GRCh38, chr8:93,793,294, plus strand): 5'-GCATCTCTTTTGAAGACAGCAGGATGGAAGAGGCGCATTGGGAGTCCCATGATTGATTTA[C>T]AGGTATAATCTCAGGAGTTTTTTAAGAATATTTTTATCTTTTGACCATTCTGGATCCTTC-3'